The following is an entry in ClinVar:

NM_000557.5(GDF5):c.497C>A (p.Pro166His)

Gene: GDF5 (growth differentiation factor 5; minus strand). Cytogenetic location: 20q11.22.
Variant type: single nucleotide variant.
Coding change: c.497C>A on transcript NM_000557.5 (MANE Select); coding-DNA position 497, C replaced by A.
Protein change: p.Pro166His; replaces proline 166 with histidine.
Molecular consequence: missense variant.
Genome position (GRCh38, 1-based): chr20:35,437,432, G>T on the plus strand (C>A on the coding strand, the complement: GDF5 is on the minus strand). VCF-style: chr20-35437432-G-T. GRCh37 (hg19) VCF-style: chr20-34025212-G-T.
Other names: c.497C>A, p.Pro166His (NM_001319138.2); short protein forms P166H.
Identifiers: ClinVar variation 338321 (VCV000338321.18), dbSNP rs61754581, ClinGen allele CA9832336.
Genomic context (GRCh38, chr20:35,437,432, plus strand): 5'-TTTCTGTCAGCATCGGACAGCGTCCTGTACAGCGAGAGCATGTACTCGTGGGGTGTGATG[G>T]GGGGTGGGCGAAACGGCTCCTTGGGCTCTCGTGGGGGCCCGGGCTCCCTGGCCTTCTTCA-3'
Protein context (NP_000548.2, residues 156-176): REPKEPFRPP[Pro166His]ITPHEYMLSL

ClinVar aggregate classification (germline): Benign. Review status: criteria provided, multiple submitters, no conflicts (2 of 4 stars). 8 submissions from 4 submitters: Benign (8). Last evaluated 2026-02-01.

Conditions:
Multiple synostoses syndrome 2 (SYNS2). Identifiers: Orphanet 3237, MedGen C1832708, MONDO:0012394, OMIM 610017.
Grebe syndrome. Also called: ACROMESOMELIC DYSPLASIA, GREBE TYPE; GREBE DYSPLASIA; ACROMESOMELIC DYSPLASIA 2A. Identifiers: Orphanet 2098, MedGen C0265260, MONDO:0008703, OMIM 200700.
Acromesomelic dysplasia 2B. Also called: DU PAN SYNDROME. Identifiers: Orphanet 2639, MedGen C1856738, MONDO:0009231, OMIM 228900.
Brachydactyly. Also called: Brachydactyly syndrome; Brachydactyly (disease). Identifiers: MedGen C0221357, MONDO:0021004, HP:0001156.
Acromesomelic dysplasia 2C, Hunter-Thompson type. Also called: Acromesomelic dysplasia, Hunter-Thompson type. Identifiers: Orphanet 968, MedGen C2930970, MONDO:0008717, OMIM 201250.

Allele frequency attached by ClinVar (database versions not stated): gnomAD 0.02867 and 0.03081; TOPMed 0.03137; 1000 Genomes Project 0.03155; ESP Exome Variant Server 0.03360; 1000 Genomes Project 30x 0.03560.
gnomAD v4.1: 8,568 of 1,613,784 alleles (0.53%); highest among the groups gnomAD compares: African/African-American, 10%; 431 homozygotes.

Submissions (8):

Labcorp Genetics (formerly Invitae), Labcorp
Classification: Benign. Last evaluated: 2026-02-01. Review status: criteria provided, single submitter. Criteria: Invitae Variant Classification Sherloc (09022015). Collection method: clinical testing. Allele origin: germline.

GeneDx
Classification: Benign. Last evaluated: 2018-11-16. Review status: criteria provided, single submitter. Criteria: GeneDx Variant Classification Process June 2021. Collection method: clinical testing. Allele origin: germline. Affected: yes.

Illumina Laboratory Services, Illumina
Classification: Benign for Fibular hypoplasia and complex brachydactyly. Last evaluated: 2018-01-12. Review status: criteria provided, single submitter. Criteria: ICSL Variant Classification Criteria 13 December 2019. Collection method: clinical testing. Allele origin: germline.
Comment: This variant was observed in the ICSL laboratory as part of a predisposition screen in an ostensibly healthy population. It had not been previously curated by ICSL or reported in the Human Gene Mutation Database (HGMD: prior to June 1st, 2018), and was therefore a candidate for classification through an automated scoring system. Utilizing variant allele frequency, disease prevalence and penetrance estimates, and inheritance mode, an automated score was calculated to assess if this variant is too frequent to cause the disease. Based on the score and internal cut-off values, a variant classified as benign is not then subjected to further curation. The score for this variant resulted in a classification of benign for this disease.

Illumina Laboratory Services, Illumina
Classification: Benign for Multiple synostoses syndrome 2. Last evaluated: 2018-01-12. Review status: criteria provided, single submitter. Criteria: ICSL Variant Classification Criteria 13 December 2019. Collection method: clinical testing. Allele origin: germline.
Comment: the same text as in the submission from Illumina Laboratory Services, Illumina above.

Illumina Laboratory Services, Illumina
Classification: Benign for Acromesomelic dysplasia 2C, Hunter-Thompson type. Last evaluated: 2018-01-12. Review status: criteria provided, single submitter. Criteria: ICSL Variant Classification Criteria 13 December 2019. Collection method: clinical testing. Allele origin: germline.
Comment: the same text as in the submission from Illumina Laboratory Services, Illumina above.

Illumina Laboratory Services, Illumina
Classification: Benign for Brachydactyly. Last evaluated: 2018-01-12. Review status: criteria provided, single submitter. Criteria: ICSL Variant Classification Criteria 13 December 2019. Collection method: clinical testing. Allele origin: germline.
Comment: the same text as in the submission from Illumina Laboratory Services, Illumina above.

Illumina Laboratory Services, Illumina
Classification: Benign for Grebe syndrome. Last evaluated: 2018-01-12. Review status: criteria provided, single submitter. Criteria: ICSL Variant Classification Criteria 13 December 2019. Collection method: clinical testing. Allele origin: germline.
Comment: the same text as in the submission from Illumina Laboratory Services, Illumina above.

Breakthrough Genomics
Classification: Benign. Review status: criteria provided, single submitter. Criteria: ACMG Guidelines, 2015. Collection method: not provided. Allele origin: germline. Inheritance: Autosomal recessive inheritance. Affected: yes.